The following is an entry in ClinVar:

ClinVar aggregate classification (germline): Likely benign (1 of 4 stars; one submission).

Submission:

CeGaT Center for Human Genetics Tuebingen
Classification: Likely benign. Last evaluated: 2026-07-01. Review status: criteria provided, single submitter. Criteria: CeGaT Center For Human Genetics Tuebingen Variant Classification Criteria Version 2. Collection method: clinical testing. Allele origin: germline. Affected: yes. Observed: 1 variant allele.
Comment: COL5A1: BP4

NM_000093.5(COL5A1):c.1774-6del

Gene: COL5A1 (collagen type V alpha 1 chain; plus strand). Cytogenetic location: 9q34.3.
Variant type: Deletion.
Coding change: c.1774-6del on transcript NM_000093.5 (MANE Select); 6 bases into the intron before coding-DNA position 1774, one base deleted (T; older notation c.1774-6delT).
Molecular consequence: intron variant.
Genome position (GRCh38, 1-based): chr9:134,754,267, T deleted. VCF-style (leftmost placement, unchanged base first): chr9-134754266-CT-C. GRCh37 (hg19) VCF-style: chr9-137646112-CT-C.
Other names: c.1774-6del (NM_001278074.1).
Identifiers: ClinVar variation 5040281 (VCV005040281.1).